The following is an entry in ClinVar:

NM_000059.4(BRCA2):c.8882G>A (p.Gly2961Asp)

Gene: BRCA2 (BRCA2 DNA repair associated; plus strand). Cytogenetic location: 13q13.1.
Variant type: single nucleotide variant.
Coding change: c.8882G>A on transcript NM_000059.4 (MANE Select); coding-DNA position 8882, G replaced by A.
Protein change: p.Gly2961Asp; replaces glycine 2961 with aspartic acid.
Molecular consequence: missense variant.
Genome position (GRCh38, 1-based): chr13:32,379,444, G>A. VCF-style: chr13-32379444-G-A. GRCh37 (hg19) VCF-style: chr13-32953581-G-A.
Other names: short protein forms G2961D.
Identifiers: ClinVar variation 941636 (VCV000941636.10), dbSNP rs2072901149, ClinGen allele CA387756450.

ClinVar aggregate classification (germline): Uncertain significance (1 of 4 stars; one submission).

Conditions:
Hereditary breast ovarian cancer syndrome. Also called: Hereditary breast and/or ovarian cancer syndrome; Hereditary breast and ovarian cancer syndrome; Hereditary breast and ovarian cancer; Hereditary breast and ovarian cancer syndrome (HBOC); Breast and ovarian cancer; BRCA1- and BRCA2-Associated Hereditary Breast and Ovarian Cancer. Identifiers: Orphanet 145, MedGen C0677776, MeSH D061325, MONDO:0003582. Disease mechanism: loss of function.

Submission:

Labcorp Genetics (formerly Invitae), Labcorp
Classification: Uncertain significance for Hereditary breast ovarian cancer syndrome. Last evaluated: 2019-09-15. Review status: criteria provided, single submitter. Criteria: Invitae Variant Classification Sherloc (09022015). Collection method: clinical testing. Allele origin: germline.
Comment: In summary, the available evidence is currently insufficient to determine the role of this variant in disease. Therefore, it has been classified as a Variant of Uncertain Significance. Algorithms developed to predict the effect of missense changes on protein structure and function are either unavailable or do not agree on the potential impact of this missense change (SIFT: "Tolerated"; PolyPhen-2: "Possibly Damaging"; Align-GVGD: "Class C0"). This variant has not been reported in the literature in individuals with BRCA2-related conditions. This variant is not present in population databases (ExAC no frequency). This sequence change replaces glycine with aspartic acid at codon 2961 of the BRCA2 protein (p.Gly2961Asp). The glycine residue is moderately conserved and there is a moderate physicochemical difference between glycine and aspartic acid.